The following is an entry in ClinVar:

ClinVar aggregate classification (germline): Uncertain significance. Review status: criteria provided, multiple submitters, no conflicts (2 of 4 stars). 4 submissions from 4 submitters: Uncertain significance (4). Last evaluated 2025-06-18.

Conditions:
Classic or attenuated familial adenomatous polyposis. Identifiers: MedGen CN372698, MONDO:0021057.
Hereditary cancer-predisposing syndrome. Also called: Neoplastic Syndromes, Hereditary; Tumor predisposition; Hereditary Cancer Syndrome; Hereditary neoplastic syndrome. Identifiers: Orphanet 140162, MedGen C0027672, MeSH D009386, MONDO:0015356.
Familial adenomatous polyposis 1 (FAP1). Also called: FAMILIAL ADENOMATOUS POLYPOSIS 1, ATTENUATED; POLYPOSIS, ADENOMATOUS INTESTINAL. Identifiers: MedGen C2713442, MONDO:0021056, OMIM 175100. Disease mechanism: loss of function.

Allele frequency attached by ClinVar (database versions not stated): gnomAD exomes below 0.00001.

Submissions (4):

GeneDx
Classification: Uncertain significance. Last evaluated: 2025-06-18. Review status: criteria provided, single submitter. Criteria: GeneDx Variant Classification Process June 2021. Collection method: clinical testing. Allele origin: germline. Affected: yes.
Comment: Not observed at significant frequency in large population cohorts (gnomAD); In silico analysis supports that this missense variant has a deleterious effect on protein structure/function; Has not been previously published as pathogenic or benign to our knowledge; This variant is associated with the following publications: (PMID: 18199528)

Ambry Genetics
Classification: Uncertain significance for Hereditary cancer-predisposing syndrome. Last evaluated: 2024-09-27. Review status: criteria provided, single submitter. Criteria: Ambry Variant Classification Scheme 2023. Collection method: clinical testing. Allele origin: germline.
Comment: The p.R1040W variant (also known as c.3118A>T), located in coding exon 15 of the APC gene, results from an A to T substitution at nucleotide position 3118. The arginine at codon 1040 is replaced by tryptophan, an amino acid with dissimilar properties. This amino acid position is highly conserved in available vertebrate species. In addition, in silico predictors for this gene do not accurately predict pathogenicity. Missense alterations in APC are not a common cause of disease (Spier I et al. Genet Med. 2024 Feb;26(2):100992). Based on the available evidence, the clinical significance of this variant remains unclear.

All of Us Research Program, National Institutes of Health
Classification: Uncertain significance for Classic or attenuated familial adenomatous polyposis. Last evaluated: 2023-02-24. Review status: criteria provided, single submitter. Criteria: ACMG Guidelines, 2015. Collection method: clinical testing. Allele origin: germline. Inheritance: Autosomal dominant inheritance. Observed: 1 variant allele, 1 heterozygote.
Comment: This missense variant replaces arginine with tryptophan at codon 1040 of the APC protein. Computational prediction is inconclusive regarding the impact of this variant on protein structure and function (internally defined REVEL score threshold 0.5 < inconclusive < 0.7, PMID: 27666373). To our knowledge, functional studies have not been reported for this variant. This variant has not been reported in individuals affected with APC-related disorders in the literature. This variant has not been identified in the general population by the Genome Aggregation Database (gnomAD). The available evidence is insufficient to determine the role of this variant in disease conclusively. Therefore, this variant is classified as a Variant of Uncertain Significance.

This study involves interpretation of variants in research participants for the purpose of population health screening. Participant phenotype was not available at the time of variant classification. Additional details can be found in publication PMID: 35346344, PMCID: PMC8962531

Labcorp Genetics (formerly Invitae), Labcorp
Classification: Uncertain significance for Familial adenomatous polyposis 1. Last evaluated: 2022-06-14. Review status: criteria provided, single submitter. Criteria: Invitae Variant Classification Sherloc (09022015). Collection method: clinical testing. Allele origin: germline.
Comment: In summary, the available evidence is currently insufficient to determine the role of this variant in disease. Therefore, it has been classified as a Variant of Uncertain Significance. Algorithms developed to predict the effect of missense changes on protein structure and function are either unavailable or do not agree on the potential impact of this missense change (SIFT: "Deleterious"; PolyPhen-2: "Probably Damaging"; Align-GVGD: "Class C15"). ClinVar contains an entry for this variant (Variation ID: 142204). This variant has not been reported in the literature in individuals affected with APC-related conditions. This variant is not present in population databases (gnomAD no frequency). This sequence change replaces arginine, which is basic and polar, with tryptophan, which is neutral and slightly polar, at codon 1040 of the APC protein (p.Arg1040Trp).

NM_000038.6(APC):c.3118A>T (p.Arg1040Trp)

Gene: APC (APC regulator of Wnt signaling pathway; plus strand). Cytogenetic location: 5q22.2.
Variant type: single nucleotide variant.
Coding change: c.3118A>T on transcript NM_000038.6 (MANE Select); coding-DNA position 3118, A replaced by T.
Protein change: p.Arg1040Trp; replaces arginine 1040 with tryptophan.
Molecular consequence: missense variant.
Genome position (GRCh38, 1-based): chr5:112,838,712, A>T. VCF-style: chr5-112838712-A-T. GRCh37 (hg19) VCF-style: chr5-112174409-A-T.
Other names: c.3118A>T, p.Arg1040Trp (NM_001127510.3, NM_001354895.2); c.3064A>T, p.Arg1022Trp (NM_001127511.3); c.3172A>T, p.Arg1058Trp (NM_001354896.2); c.3148A>T, p.Arg1050Trp (NM_001354897.2); c.3043A>T, p.Arg1015Trp (NM_001354898.2); c.3034A>T, p.Arg1012Trp (NM_001354899.2); c.2995A>T, p.Arg999Trp (NM_001354900.2); c.2941A>T, p.Arg981Trp (NM_001354901.2); and 5 more; short protein forms R1022W, R1040W, R1050W, R914W, R1012W, R1015W, R939W, R949W.
Identifiers: ClinVar variation 142204 (VCV000142204.19), dbSNP rs587782306, ClinGen allele CA008046.